The following is an entry in ClinVar:

ClinVar aggregate classification (germline): Uncertain significance. Review status: criteria provided, multiple submitters, no conflicts (2 of 4 stars). 2 submissions from 2 submitters: Uncertain significance (2). Last evaluated 2025-08-11.

Conditions:
Inborn genetic diseases. Identifiers: MedGen C0950123, MeSH D030342.

Allele frequency attached by ClinVar (database versions not stated): gnomAD exomes 0.00001.
gnomAD v4.1: 10 of 1,613,442 alleles (0.00062%); highest among the groups gnomAD compares: Admixed American, 0.0033%; no homozygotes.

Submissions (2):

Ambry Genetics
Classification: Uncertain significance for Inborn genetic diseases. Last evaluated: 2025-08-11. Review status: criteria provided, single submitter. Criteria: Ambry Variant Classification Scheme 2023. Collection method: clinical testing. Allele origin: germline.

Labcorp Genetics (formerly Invitae), Labcorp
Classification: Uncertain significance. Last evaluated: 2022-08-13. Review status: criteria provided, single submitter. Criteria: Invitae Variant Classification Sherloc (09022015). Collection method: clinical testing. Allele origin: germline.
Comment: This sequence change replaces arginine, which is basic and polar, with histidine, which is basic and polar, at codon 741 of the CDHR1 protein (p.Arg741His). In summary, the available evidence is currently insufficient to determine the role of this variant in disease. Therefore, it has been classified as a Variant of Uncertain Significance. Advanced modeling of protein sequence and biophysical properties (such as structural, functional, and spatial information, amino acid conservation, physicochemical variation, residue mobility, and thermodynamic stability) performed at Invitae indicates that this missense variant is not expected to disrupt CDHR1 protein function. This variant has not been reported in the literature in individuals affected with CDHR1-related conditions. This variant is present in population databases (no rsID available, gnomAD 0.006%).

NM_033100.4(CDHR1):c.2222G>A (p.Arg741His)

Gene: CDHR1 (cadherin related family member 1; plus strand). Cytogenetic location: 10q23.1.
Variant type: single nucleotide variant.
Coding change: c.2222G>A on transcript NM_033100.4 (MANE Select); coding-DNA position 2222, G replaced by A.
Protein change: p.Arg741His; replaces arginine 741 with histidine.
Molecular consequence: missense variant. On other transcripts: intron variant (1).
Genome position (GRCh38, 1-based): chr10:84,214,263, G>A. VCF-style: chr10-84214263-G-A. GRCh37 (hg19) VCF-style: chr10-85974019-G-A.
Other names: c.2222G>A (NM_033100.2); c.2040+915G>A (NM_001171971.3); short protein forms R741H.
Identifiers: ClinVar variation 1922149 (VCV001922149.6), dbSNP rs925818525, ClinGen allele CA210387506.